The following is an entry in ClinVar:

ClinVar aggregate classification (germline): Uncertain significance (1 of 4 stars; one submission).

Conditions:
Intellectual developmental disorder, autosomal dominant 1. Also called: MBD5 Haploinsufficiency; Intellectual disability, autosomal dominant 1. Identifiers: Orphanet 228402, MedGen C1969562, MONDO:0007974, OMIM 156200.

Submission:

Labcorp Genetics (formerly Invitae), Labcorp
Classification: Uncertain significance for Intellectual developmental disorder, autosomal dominant 1. Last evaluated: 2026-01-27. Review status: criteria provided, single submitter. Criteria: Invitae Variant Classification Sherloc (09022015). Collection method: clinical testing. Allele origin: germline.
Comment: This sequence change replaces proline, which is neutral and non-polar, with leucine, which is neutral and non-polar, at codon 457 of the MBD5 protein (p.Pro457Leu). This variant is not present in population databases (gnomAD no frequency). This variant has not been reported in the literature in individuals affected with MBD5-related conditions. Invitae Evidence Modeling of protein sequence and biophysical properties (such as structural, functional, and spatial information, amino acid conservation, physicochemical variation, residue mobility, and thermodynamic stability) has been performed for this missense variant. However, the output from this modeling did not meet the statistical confidence thresholds required to predict the impact of this variant on MBD5 protein function. In summary, the available evidence is currently insufficient to determine the role of this variant in disease. Therefore, it has been classified as a Variant of Uncertain Significance.

NM_001378120.1(MBD5):c.1370C>T (p.Pro457Leu)

Gene: MBD5 (methyl-CpG binding domain protein 5; plus strand). Cytogenetic location: 2q23.1.
Variant type: single nucleotide variant.
Coding change: c.1370C>T on transcript NM_001378120.1 (MANE Select); coding-DNA position 1370, C replaced by T.
Protein change: p.Pro457Leu; replaces proline 457 with leucine.
Molecular consequence: missense variant.
Genome position (GRCh38, 1-based): chr2:148,469,313, C>T. VCF-style: chr2-148469313-C-T. GRCh37 (hg19) VCF-style: chr2-149226882-C-T.
Other names: c.1370C>T, p.Pro457Leu (NM_001438854.1, NM_001438855.1, NM_001438856.1 and 7 more transcripts); short protein forms P457L.
Identifiers: ClinVar variation 4741379 (VCV004741379.1).